The following is an entry in ClinVar:

NM_001127898.4(CLCN5):c.1474G>A (p.Val492Met)

Gene: CLCN5 (Cl-/H+ antiporter 5; plus strand). Cytogenetic location: Xp11.23.
Variant type: single nucleotide variant.
Coding change: c.1474G>A on transcript NM_001127898.4 (MANE Select); coding-DNA position 1474, G replaced by A.
Protein change: p.Val492Met; replaces valine 492 with methionine.
Molecular consequence: missense variant.
Genome position (GRCh38, 1-based): chrX:50,086,787, G>A. VCF-style: chrX-50086787-G-A. GRCh37 (hg19) VCF-style: chrX-49851444-G-A.
Other names: c.1264G>A, p.Val422Met (NM_000084.5); c.1474G>A, p.Val492Met (NM_001127899.4); c.1324G>A, p.Val442Met (NM_001282163.2); short protein forms V422M, V442M, V492M.
Identifiers: ClinVar variation 1699237 (VCV001699237.5), dbSNP rs368039993, ClinGen allele CA10413885.

ClinVar aggregate classification (germline): Conflicting classifications of pathogenicity. Review status: criteria provided, conflicting classifications (1 of 4 stars). 2 submissions from 2 submitters: Uncertain significance (1); Likely benign (1). Last evaluated 2024-08-07.

Conditions:
Dent disease type 1 (DENT1). Also called: NEPHROLITHIASIS 2; NEPHROLITHIASIS, HYPERCALCIURIC, X-LINKED. Identifiers: Orphanet 1652, Orphanet 93622, MedGen C1848336, MONDO:0010225, OMIM 300009.

Allele frequency attached by ClinVar (database versions not stated): ESP Exome Variant Server 0.00009; TOPMed 0.00010; 1000 Genomes Project 30x 0.00021; 1000 Genomes Project 0.00026.
gnomAD v4.1: 37 of 1,208,755 alleles (0.0031%); highest among the groups gnomAD compares: African/African-American, 0.019%; no homozygotes.

Submissions (2):

Labcorp Genetics (formerly Invitae), Labcorp
Classification: Likely benign. Last evaluated: 2024-08-07. Review status: criteria provided, single submitter. Criteria: Invitae Variant Classification Sherloc (09022015). Collection method: clinical testing. Allele origin: germline.

Victorian Clinical Genetics Services, Murdoch Childrens Research Institute
Classification: Uncertain significance for Dent disease type 1. Last evaluated: 2022-06-24. Review status: criteria provided, single submitter. Criteria: ACMG Guidelines, 2015. Collection method: clinical testing. Allele origin: germline. Inheritance: X-linked recessive inheritance.
Comment: Based on the classification scheme VCGS_Germline_v1.3.4, this variant is classified as VUS-3C. Following criteria are met: 0102 - Loss of function is a known mechanism of disease in this gene and is associated with CLCN5-related disease (OMIM). (I) 0109 - This gene is associated with X-linked recessive disease. Dent disease (MIM#300009) is now the generally accepted name for a group of hereditary tubular disorders including X-linked recessive nephrolithiasis type I (MIM#310468), hypophosphataemic rickets (MIM#300554), and low molecular weight proteinuria with hypercalciuric nephrocalcinosis (MIM#308990) (PMID: 12637640). Dent disease (MIM#300009) mainly affects males, however female carriers may show a milder phenotype (PMID: 28580211). (I) 0115 - Variants in this gene are known to have variable expressivity. The phenotype can be variable within and between families (PMID: 28580211). (I) 0200 - Variant is predicted to result in a missense amino acid change from valine to methionine. (I) 0251 - This variant is heterozygous. (I) 0304 - Variant is present in gnomAD (v2) <0.01 for a recessive condition (5 heterozygotes, 2 hemizygotes). (SP) 0309 - Multiple alternative amino acid changes at the same position have been observed in gnomAD (v2) (highest allele count: 14 heterozygotes, 11 hemizygotes). (I) 0503 - Missense variant consistently predicted to be tolerated by multiple in silico tools or not conserved in placental mammals with a minor amino acid change. (SB) 0600 - Variant is located in the annotated Voltage_CLC domain (DECIPHER). (I) 0705 - No comparable missense variants have previous evidence for pathogenicity. (I) 0807 - This variant has no previous evidence of pathogenicity. (I) 0905 - No published segregation evidence has been identified for this variant. (I) 1007 - No published functional evidence has been identified for this variant. (I) 1207 - Parental origin of the variant is unresolved. (I) Legend: (SP) - Supporting pathogenic, (I) - Information, (SB) - Supporting benign

Literature cited by the submitters: PubMed 12637640 (cited by Victorian Clinical Genetics Services, Murdoch Childrens Research Institute); PubMed 28580211 (cited by Victorian Clinical Genetics Services, Murdoch Childrens Research Institute).